The following is an entry in ClinVar:

ClinVar aggregate classification (germline): Uncertain significance. Review status: criteria provided, multiple submitters, no conflicts (2 of 4 stars). 2 submissions from 2 submitters: Uncertain significance (2). Last evaluated 2024-03-08.

Submissions (2):

Women's Health and Genetics/Laboratory Corporation of America, LabCorp
Classification: Uncertain significance. Last evaluated: 2024-03-08. Review status: criteria provided, single submitter. Criteria: LabCorp Variant Classification Summary - May 2015. Collection method: clinical testing. Allele origin: germline.
Comment: Variant summary: GCDH c.749T>C (p.Ile250Thr) results in a non-conservative amino acid change located in the Acyl-CoA oxidase/dehydrogenase, middle domain (IPR006091) of the encoded protein sequence. Four of five in-silico tools predict a damaging effect of the variant on protein function. The variant was absent in 251400 control chromosomes. c.749T>C has been reported in the literature in individuals affected with Glutaric Acidemia Type 1 (Guenzel_2021). These data indicate that the variant may be associated with disease. To our knowledge, no experimental evidence demonstrating an impact on protein function has been reported. The following publication have been ascertained in the context of this evaluation (PMID: 34258142). ClinVar contains an entry for this variant (Variation ID: 1304015). Based on the evidence outlined above, the variant was classified as VUS-possibly pathogenic.

GeneDx
Classification: Uncertain significance. Last evaluated: 2020-06-12. Review status: criteria provided, single submitter. Criteria: GeneDx Variant Classification Process June 2021. Collection method: clinical testing. Allele origin: germline. Affected: yes.
Comment: Not observed in large population cohorts (Lek et al., 2016); In silico analysis supports that this missense variant has a deleterious effect on protein structure/function; Has not been previously published as pathogenic or benign to our knowledge

Literature cited by the submitters: PubMed 34258142 (cited by Women's Health and Genetics/Laboratory Corporation of America, LabCorp).

NM_000159.4(GCDH):c.749T>C (p.Ile250Thr)

Gene: GCDH (glutaryl-CoA dehydrogenase; plus strand). Cytogenetic location: 19p13.13.
Variant type: single nucleotide variant.
Coding change: c.749T>C on transcript NM_000159.4 (MANE Select); coding-DNA position 749, T replaced by C.
Protein change: p.Ile250Thr; replaces isoleucine 250 with threonine.
Molecular consequence: missense variant. On other transcripts: non-coding transcript variant (2).
Genome position (GRCh38, 1-based): chr19:12,896,318, T>C. VCF-style: chr19-12896318-T-C. GRCh37 (hg19) VCF-style: chr19-13007132-T-C.
Other names: c.749T>C, p.Ile250Thr (NM_013976.5); short protein forms I250T.
Identifiers: ClinVar variation 1304015 (VCV001304015.4), dbSNP rs2145951275, ClinGen allele CA404318819.